The following is an entry in ClinVar:

NM_000138.5(FBN1):c.8330T>C (p.Ile2777Thr)

Gene: FBN1 (fibrillin 1; minus strand). Cytogenetic location: 15q21.1.
Variant type: single nucleotide variant.
Coding change: c.8330T>C on transcript NM_000138.5 (MANE Select); coding-DNA position 8330, T replaced by C.
Protein change: p.Ile2777Thr; replaces isoleucine 2777 with threonine.
Molecular consequence: missense variant.
Genome position (GRCh38, 1-based): chr15:48,411,276, A>G on the plus strand (T>C on the coding strand, the complement: FBN1 is on the minus strand). VCF-style: chr15-48411276-A-G. GRCh37 (hg19) VCF-style: chr15-48703473-A-G.
Other names: short protein forms I2777T.
Identifiers: ClinVar variation 549460 (VCV000549460.2), dbSNP rs1555393556, ClinGen allele CA392319575.

ClinVar aggregate classification (germline): Uncertain significance. Review status: criteria provided, single submitter (1 of 4 stars). 2 submissions from 2 submitters: Uncertain significance (1). 1 of the submissions does not count toward it. Last evaluated 2024-02-02.

Conditions:
Marfan syndrome (MFS). Also called: Marfan syndrome type 1; Marfan syndrome, classic; Marfan's syndrome; FBN1-Related Marfan Syndrome; MARFAN SYNDROME, TYPE I. Identifiers: Orphanet 284963, Orphanet 558, MedGen C0024796, MONDO:0007947, OMIM 154700.

Submissions (2):

3billion
Classification: Uncertain significance for Marfan syndrome. Last evaluated: 2024-02-02. Review status: criteria provided, single submitter. Criteria: ACMG Guidelines, 2015. Collection method: clinical testing. Allele origin: germline. Affected: yes.
Comment: The variant is not observed in the gnomAD v2.1.1 dataset. Predicted Consequence/Location: Missense variant In silico tool predictions suggest damaging effect of the variant on gene or gene product [REVEL: 0.89 (>=0.6, sensitivity 0.68 and specificity 0.92)]. A different missense change at the same codon (p.Ile2777Asn) has been reported to be associated with FBN1 related disorder (ClinVar ID: VCV001398391). However the evidence of pathogenicity is insufficient at this time. Therefore, this variant is classified as VUS according to the recommendation of ACMG/AMP guideline.

Center for Medical Genetics Ghent, University of Ghent
Classification: Uncertain significance for Marfan syndrome. Last evaluated: 2017-11-07. Review status: no assertion criteria provided. Collection method: clinical testing. Allele origin: germline. Affected: yes. Not counted in ClinVar's aggregate classification.